The following is an entry in ClinVar:

NM_000276.4(OCRL):c.2581G>C (p.Ala861Pro)

Gene: OCRL (OCRL inositol polyphosphate-5-phosphatase; plus strand). Cytogenetic location: Xq26.1.
Variant type: single nucleotide variant.
Coding change: c.2581G>C on transcript NM_000276.4 (MANE Select); coding-DNA position 2581, G replaced by C.
Protein change: p.Ala861Pro; replaces alanine 861 with proline.
Molecular consequence: missense variant.
Genome position (GRCh38, 1-based): chrX:129,589,956, G>C. VCF-style: chrX-129589956-G-C. GRCh37 (hg19) VCF-style: chrX-128723933-G-C.
Other names: c.2584G>C, p.Ala862Pro (NM_001318784.2); c.2557G>C, p.Ala853Pro (NM_001587.4); short protein forms A853P, A862P, A861P.
Identifiers: ClinVar variation 1508637 (VCV001508637.8), dbSNP rs2124430527, ClinGen allele CA414632664.

ClinVar aggregate classification (germline): Likely pathogenic (1 of 4 stars; one submission).

Conditions:
Lowe syndrome (OCRL). Also called: Oculocerebrorenal Syndrome; LOWE OCULOCEREBRORENAL SYNDROME; PHOSPHATIDYLINOSITOL 4,5-BISPHOSPHATE 5-PHOSPHATASE DEFICIENCY. Identifiers: Orphanet 534, MedGen C0028860, MONDO:0010645, OMIM 309000.

Submission:

Labcorp Genetics (formerly Invitae), Labcorp
Classification: Likely pathogenic for Lowe syndrome. Last evaluated: 2020-10-30. Review status: criteria provided, single submitter. Criteria: Invitae Variant Classification Sherloc (09022015). Collection method: clinical testing. Allele origin: germline.
Comment: In summary, the currently available evidence indicates that the variant is pathogenic, but additional data are needed to prove that conclusively. Therefore, this variant has been classified as Likely Pathogenic. Studies have shown that this variant is associated with skipping of exon 23, which introduces a frameshift (PMID: 29300302). However the mRNA is not expected to undergo nonsense-mediated decay. Algorithms developed to predict the effect of missense changes on protein structure and function are either unavailable or do not agree on the potential impact of this missense change (SIFT: "Tolerated"; PolyPhen-2: "Probably Damaging"; Align-GVGD: "Class C0"). This variant has been observed in individual(s) with Lowe syndrome (PMID: 25480730). This variant is not present in population databases (ExAC no frequency). This sequence change replaces alanine with proline at codon 861 of the OCRL protein (p.Ala861Pro). The alanine residue is highly conserved and there is a small physicochemical difference between alanine and proline. RNA analysis indicates that this variant induces altered splicing and likely disrupts the C-terminus of the protein.

Literature cited by the submitters: PubMed 29300302; PubMed 25480730.